The following is an entry in ClinVar:

NM_000481.4(AMT):c.40C>T (p.Arg14Cys)

Genes: AMT (aminomethyltransferase; minus strand), NICN1 (nicolin 1, tubulin polyglutamylase complex subunit; minus strand). Cytogenetic location: 3p21.31.
Variant type: single nucleotide variant.
Coding change: c.40C>T on transcript NM_000481.4 (MANE Select); coding-DNA position 40, C replaced by T.
Protein change: p.Arg14Cys; replaces arginine 14 with cysteine.
Molecular consequence: missense variant. On other transcripts: non-coding transcript variant (1), 3 prime UTR variant (1).
Genome position (GRCh38, 1-based): chr3:49,422,411, G>A on the plus strand (C>T on the coding strand, the complement: AMT is on the minus strand). VCF-style: chr3-49422411-G-A. GRCh37 (hg19) VCF-style: chr3-49459844-G-A.
Other names: c.40C>T, p.Arg14Cys (NM_001164710.2, NM_001164711.2, NM_001164712.2); c.*2422C>T (NM_032316.3); short protein forms R14C.
Identifiers: ClinVar variation 1986331 (VCV001986331.3), dbSNP rs201779973, ClinGen allele CA2398509.

ClinVar aggregate classification (germline): Uncertain significance (1 of 4 stars; one submission).

Conditions:
Glycine encephalopathy. Also called: Nonketotic hyperglycinemia; Non-ketotic hyperglycinemia. Identifiers: Orphanet 407, MedGen C0751748, MONDO:0011612, HP:0008288.

Allele frequency attached by ClinVar (database versions not stated): ExAC 0.00001; gnomAD 0.00001; gnomAD exomes 0.00001; TOPMed 0.00001; ESP Exome Variant Server 0.00008; 1000 Genomes Project 30x 0.00016; 1000 Genomes Project 0.00020.
gnomAD v4.1: 9 of 1,613,660 alleles (0.00056%); highest among the groups gnomAD compares: East Asian, 0.0045%; no homozygotes.

Submission:

Labcorp Genetics (formerly Invitae), Labcorp
Classification: Uncertain significance for Glycine encephalopathy. Last evaluated: 2024-10-24. Review status: criteria provided, single submitter. Criteria: Invitae Variant Classification Sherloc (09022015). Collection method: clinical testing. Allele origin: germline.
Comment: This sequence change replaces arginine, which is basic and polar, with cysteine, which is neutral and slightly polar, at codon 14 of the AMT protein (p.Arg14Cys). This variant is present in population databases (rs201779973, gnomAD 0.004%). This variant has not been reported in the literature in individuals affected with AMT-related conditions. ClinVar contains an entry for this variant (Variation ID: 1986331). An algorithm developed to predict the effect of missense changes on protein structure and function outputs the following: PolyPhen-2: "Benign". The cysteine amino acid residue is found in multiple mammalian species, which suggests that this missense change does not adversely affect protein function. In summary, the available evidence is currently insufficient to determine the role of this variant in disease. Therefore, it has been classified as a Variant of Uncertain Significance.